The following is an entry in ClinVar:

ClinVar aggregate classification (germline): Uncertain significance (1 of 4 stars; one submission).

Conditions:
Hereditary spastic paraplegia 3A (SPG3A). Also called: SPASTIC PARAPLEGIA 3, AUTOSOMAL DOMINANT; FAMILIAL SPASTIC PARAPLEGIA, AUTOSOMAL DOMINANT, 1; SPG3; STRUMPELL DISEASE; Spastic Paraplegia 3A; Spastic paraplegia 3A, autosomal dominant. Identifiers: Orphanet 100984, MedGen C2931355, MONDO:0008437, OMIM 182600.

Submission:

Labcorp Genetics (formerly Invitae), Labcorp
Classification: Uncertain significance for Hereditary spastic paraplegia 3A. Last evaluated: 2024-10-17. Review status: criteria provided, single submitter. Criteria: Invitae Variant Classification Sherloc (09022015). Collection method: clinical testing. Allele origin: germline.
Comment: This sequence change replaces serine, which is neutral and polar, with phenylalanine, which is neutral and non-polar, at codon 346 of the ATL1 protein (p.Ser346Phe). This variant is not present in population databases (gnomAD no frequency). This missense change has been observed in individual(s) with clinical features of ATL1-related conditions (internal data). Invitae Evidence Modeling of protein sequence and biophysical properties (such as structural, functional, and spatial information, amino acid conservation, physicochemical variation, residue mobility, and thermodynamic stability) has been performed for this missense variant. However, the output from this modeling did not meet the statistical confidence thresholds required to predict the impact of this variant on ATL1 protein function. This variant disrupts the p.Ser346 amino acid residue in ATL1. Other variant(s) that disrupt this residue have been determined to be pathogenic (PMID: 26600529). This suggests that this residue is clinically significant, and that variants that disrupt this residue are likely to be disease-causing. In summary, the available evidence is currently insufficient to determine the role of this variant in disease. Therefore, it has been classified as a Variant of Uncertain Significance.

Literature cited by the submitters: PubMed 26600529.

NM_015915.5(ATL1):c.1037C>T (p.Ser346Phe)

Gene: ATL1 (atlastin GTPase 1; plus strand). Cytogenetic location: 14q22.1.
Variant type: single nucleotide variant.
Coding change: c.1037C>T on transcript NM_015915.5 (MANE Select); coding-DNA position 1037, C replaced by T.
Protein change: p.Ser346Phe; replaces serine 346 with phenylalanine.
Molecular consequence: missense variant.
Genome position (GRCh38, 1-based): chr14:50,621,889, C>T. VCF-style: chr14-50621889-C-T. GRCh37 (hg19) VCF-style: chr14-51088607-C-T.
Other names: c.1037C>T, p.Ser346Phe (NM_001127713.1, NM_181598.4); short protein forms S346F.
Identifiers: ClinVar variation 2725594 (VCV002725594.3), dbSNP rs2504560531, ClinGen allele CA389673642.